The following is an entry in ClinVar:

ClinVar aggregate classification (germline): Conflicting classifications of pathogenicity. Review status: criteria provided, conflicting classifications (1 of 4 stars). 2 submissions from 2 submitters: Uncertain significance (1); Likely benign (1). Last evaluated 2026-02-27.

Conditions:
P2RX1-related disorder. Also called: P2RX1-related condition.

Allele frequency attached by ClinVar (database versions not stated): gnomAD exomes 0.00005; ExAC 0.00011; ESP Exome Variant Server 0.00038; gnomAD 0.00039; TOPMed 0.00046.

Submissions (2):

PreventionGenetics, part of Exact Sciences
Classification: Likely benign for P2RX1-related condition. Last evaluated: 2026-02-27. Review status: criteria provided, single submitter. Criteria: ACMG Guidelines, 2015. Collection method: clinical testing. Allele origin: germline.
Comment: This variant is classified as likely benign based on ACMG/AMP sequence variant interpretation guidelines (Richards et al. 2015 PMID: 25741868, with internal and published modifications).

Ambry Genetics
Classification: Uncertain significance. Last evaluated: 2025-05-03. Review status: criteria provided, single submitter. Criteria: Ambry Variant Classification Scheme 2023. Collection method: clinical testing. Allele origin: germline.

NM_002558.4(P2RX1):c.799G>A (p.Val267Ile)

Gene: P2RX1 (purinergic receptor P2X 1; minus strand). Cytogenetic location: 17p13.2.
Variant type: single nucleotide variant.
Coding change: c.799G>A on transcript NM_002558.4 (MANE Select); coding-DNA position 799, G replaced by A.
Protein change: p.Val267Ile; replaces valine 267 with isoleucine.
Molecular consequence: missense variant.
Genome position (GRCh38, 1-based): chr17:3,899,710, C>T on the plus strand (G>A on the coding strand, the complement: P2RX1 is on the minus strand). VCF-style: chr17-3899710-C-T. GRCh37 (hg19) VCF-style: chr17-3803004-C-T.
Other names: c.799G>A (NM_002558.3); short protein forms V267I.
Identifiers: ClinVar variation 2553016 (VCV002553016.4), dbSNP rs61731002, ClinGen allele CA8296131.
Genomic context (GRCh38, chr17:3,899,710, plus strand): 5'-GGGAGAGATTTTTCTCTTCGTACAGCCCATGGAACTCATAGATGGGTCTGCAGTGCCGTA[C>T]GTGCCAGTCCAGGTCACAGTGCCAGTCGATGGTGATGCCAACCACTCCACCCTGCCAGGG-3'
Protein context (NP_002549.1, residues 257-277): IDWHCDLDWH[Val267Ile]RHCRPIYEFH